The following is an entry in ClinVar:

ClinVar aggregate classification (germline): Uncertain significance (1 of 4 stars; one submission).

Conditions:
Hajdu-Cheney syndrome (HJCYS). Also called: ACROOSTEOLYSIS WITH OSTEOPOROSIS AND CHANGES IN SKULL AND MANDIBLE; Acroosteolysis dominant type; SERPENTINE FIBULA-POLYCYSTIC KIDNEY SYNDROME. Identifiers: Orphanet 955, MedGen C0917715, MONDO:0007057, OMIM 102500.

Allele frequency attached by ClinVar (database versions not stated): gnomAD 0.00001; gnomAD exomes 0.00002; TOPMed 0.00002; ExAC 0.00005.
gnomAD v4.1: 28 of 1,614,098 alleles (0.0017%); highest among the groups gnomAD compares: South Asian, 0.012%; no homozygotes.

Submission:

Labcorp Genetics (formerly Invitae), Labcorp
Classification: Uncertain significance for Hajdu-Cheney syndrome. Last evaluated: 2025-09-01. Review status: criteria provided, single submitter. Criteria: Invitae Variant Classification Sherloc (09022015). Collection method: clinical testing. Allele origin: germline.
Comment: This sequence change replaces threonine, which is neutral and polar, with methionine, which is neutral and non-polar, at codon 2159 of the NOTCH2 protein (p.Thr2159Met). This variant is present in population databases (rs755184344, gnomAD 0.01%). This variant has not been reported in the literature in individuals affected with NOTCH2-related conditions. ClinVar contains an entry for this variant (Variation ID: 2142017). Invitae Evidence Modeling of protein sequence and biophysical properties (such as structural, functional, and spatial information, amino acid conservation, physicochemical variation, residue mobility, and thermodynamic stability) indicates that this missense variant is not expected to disrupt NOTCH2 protein function with a negative predictive value of 80%. In summary, the available evidence is currently insufficient to determine the role of this variant in disease. Therefore, it has been classified as a Variant of Uncertain Significance.

NM_024408.4(NOTCH2):c.6476C>T (p.Thr2159Met)

Gene: NOTCH2 (notch receptor 2; minus strand). Cytogenetic location: 1p12.
Variant type: single nucleotide variant.
Coding change: c.6476C>T on transcript NM_024408.4 (MANE Select); coding-DNA position 6476, C replaced by T.
Protein change: p.Thr2159Met; replaces threonine 2159 with methionine.
Molecular consequence: missense variant.
Genome position (GRCh38, 1-based): chr1:119,916,246, G>A on the plus strand (C>T on the coding strand, the complement: NOTCH2 is on the minus strand). VCF-style: chr1-119916246-G-A. GRCh37 (hg19) VCF-style: chr1-120458869-G-A.
Other names: short protein forms T2159M.
Identifiers: ClinVar variation 2142017 (VCV002142017.4), dbSNP rs755184344, ClinGen allele CA1039424.